The following is an entry in ClinVar:

NM_000289.6(PFKM):c.2161C>G (p.Gln721Glu)

Gene: PFKM (phosphofructokinase, muscle; plus strand). Cytogenetic location: 12q13.11.
Variant type: single nucleotide variant.
Coding change: c.2161C>G on transcript NM_000289.6 (MANE Select); coding-DNA position 2161, C replaced by G.
Protein change: p.Gln721Glu; replaces glutamine 721 with glutamic acid.
Molecular consequence: missense variant. On other transcripts: non-coding transcript variant (6).
Genome position (GRCh38, 1-based): chr12:48,145,278, C>G. VCF-style: chr12-48145278-C-G. GRCh37 (hg19) VCF-style: chr12-48539061-C-G.
Other names: c.2374C>G, p.Gln792Glu (NM_001166686.2, NM_001354737.1, NM_001354738.1 and 1 more transcripts); c.2161C>G, p.Gln721Glu (NM_001166687.2, NM_001166688.2, NM_001354742.2 and 2 more transcripts); c.2470C>G, p.Gln824Glu (NM_001354735.1, NM_001354736.1); c.2305C>G, p.Gln769Glu (NM_001354740.1); c.2185C>G, p.Gln729Glu (NM_001354741.2); c.2074C>G, p.Gln692Glu (NM_001354745.2); c.2035C>G, p.Gln679Glu (NM_001354746.2); c.2011C>G, p.Gln671Glu (NM_001354747.2, NM_001354748.2); and 1 more; short protein forms Q671E, Q679E, Q692E, Q729E, Q769E, Q721E, Q824E, Q690E.
Identifiers: ClinVar variation 2822631 (VCV002822631.3), dbSNP rs2498685682, ClinGen allele CA384556107.

ClinVar aggregate classification (germline): Uncertain significance (1 of 4 stars; one submission).

Conditions:
Glycogen storage disease, type VII (GSD7). Also called: GSD VII; MUSCLE PHOSPHOFRUCTOKINASE DEFICIENCY; PFKM DEFICIENCY; TARUI DISEASE. Identifiers: Orphanet 371, MedGen C0017926, MONDO:0009295, OMIM 232800.

Submission:

Labcorp Genetics (formerly Invitae), Labcorp
Classification: Uncertain significance for Glycogen storage disease, type VII. Last evaluated: 2023-05-29. Review status: criteria provided, single submitter. Criteria: Invitae Variant Classification Sherloc (09022015). Collection method: clinical testing. Allele origin: germline.
Comment: This sequence change replaces glutamine, which is neutral and polar, with glutamic acid, which is acidic and polar, at codon 721 of the PFKM protein (p.Gln721Glu). This variant is not present in population databases (gnomAD no frequency). Advanced modeling of protein sequence and biophysical properties (such as structural, functional, and spatial information, amino acid conservation, physicochemical variation, residue mobility, and thermodynamic stability) performed at Invitae indicates that this missense variant is not expected to disrupt PFKM protein function. This variant has not been reported in the literature in individuals affected with PFKM-related conditions. In summary, the available evidence is currently insufficient to determine the role of this variant in disease. Therefore, it has been classified as a Variant of Uncertain Significance.